The following is an entry in ClinVar:

ClinVar aggregate classification (germline): Likely benign (1 of 4 stars; one submission).

Submission:

CeGaT Center for Human Genetics Tuebingen
Classification: Likely benign. Last evaluated: 2026-05-01. Review status: criteria provided, single submitter. Criteria: CeGaT Center For Human Genetics Tuebingen Variant Classification Criteria Version 2. Collection method: clinical testing. Allele origin: germline. Affected: yes. Observed: 1 variant allele.
Comment: NUDT2: PM2:Supporting, BP4, BP7

NM_001161.5(NUDT2):c.255G>A (p.Arg85=)

Gene: NUDT2 (nudix hydrolase 2; plus strand). Cytogenetic location: 9p13.3.
Variant type: single nucleotide variant.
Coding change: c.255G>A on transcript NM_001161.5 (MANE Select); coding-DNA position 255, G replaced by A.
Protein change: p.Arg85=; no amino-acid change (arginine 85 retained).
Molecular consequence: synonymous variant.
Genome position (GRCh38, 1-based): chr9:34,343,251, G>A. VCF-style: chr9-34343251-G-A. GRCh37 (hg19) VCF-style: chr9-34343249-G-A.
Other names: c.255G>A, p.Arg85= (NM_001244390.2, NM_147172.3, NM_147173.3).
Identifiers: ClinVar variation 4874913 (VCV004874913.2).